The following is an entry in ClinVar:

NM_025137.4(SPG11):c.2431C>T (p.Gln811Ter)

Gene: SPG11 (SPG11 vesicle trafficking associated, spatacsin; minus strand). Cytogenetic location: 15q21.1.
Variant type: single nucleotide variant.
Coding change: c.2431C>T on transcript NM_025137.4 (MANE Select); coding-DNA position 2431, C replaced by T.
Protein change: p.Gln811Ter; replaces glutamine 811 with a stop codon.
Molecular consequence: nonsense.
Genome position (GRCh38, 1-based): chr15:44,622,233, G>A on the plus strand (C>T on the coding strand, the complement: SPG11 is on the minus strand). VCF-style: chr15-44622233-G-A. GRCh37 (hg19) VCF-style: chr15-44914431-G-A.
Other names: c.2431C>T, p.Gln811Ter (NM_001160227.2); short protein forms Q811*.
Identifiers: ClinVar variation 987319 (VCV000987319.19), dbSNP rs756134516, ClinGen allele CA7535257.

ClinVar aggregate classification (germline): Pathogenic. Review status: criteria provided, multiple submitters, no conflicts (2 of 4 stars). 9 submissions from 9 submitters: Pathogenic (9). Last evaluated 2026-06-01.

Conditions:
Charcot-Marie-Tooth disease axonal type 2X. Also called: CHARCOT-MARIE-TOOTH DISEASE, AXONAL, AUTOSOMAL RECESSIVE, TYPE 2X; CHARCOT-MARIE-TOOTH NEUROPATHY, TYPE 2X. Identifiers: Orphanet 466775, MedGen C5569024, MONDO:0014726, OMIM 616668.
Amyotrophic lateral sclerosis type 5 (ALS5). Also called: AMYOTROPHIC LATERAL SCLEROSIS 5, JUVENILE. Identifiers: Orphanet 300605, MedGen C1865864, MONDO:0011196, OMIM 602099.
Hereditary spastic paraplegia 11. Also called: Nakamura Osame syndrome; Autosomal recessive hereditary spastic paraplegia, mental impairment, and thin corpus callosum; Spastic paraplegia, mental retardation and thin corpus callosum; Spastic Paraplegia 11; SPASTIC PARAPLEGIA, AUTOSOMAL RECESSIVE, COMPLICATED, WITH THIN CORPUS CALLOSUM; SPASTIC PARAPLEGIA, AUTOSOMAL RECESSIVE, WITH MENTAL IMPAIRMENT AND THIN CORPUS CALLOSUM. Identifiers: Orphanet 2822, MedGen C1858479, MONDO:0011445, OMIM 604360.
Inborn genetic diseases. Identifiers: MedGen C0950123, MeSH D030342.
SPG11-related disorder. Also called: SPG11-related condition.
Hereditary spastic paraplegia. Also called: Familial spastic paraparesis. Identifiers: Orphanet 685, MedGen C0037773, MONDO:0019064. Disease mechanism: loss of function.

Allele frequency attached by ClinVar (database versions not stated): gnomAD exomes 0.00001 and 0.00002; ExAC 0.00002; TOPMed 0.00002; gnomAD 0.00005.
gnomAD v4.1: 38 of 1,612,186 alleles (0.0024%); highest among the groups gnomAD compares: Non-Finnish European, 0.0028%; no homozygotes.

Submissions (9):

Women's Health and Genetics/Laboratory Corporation of America, LabCorp
Classification: Pathogenic for Hereditary spastic paraplegia. Last evaluated: 2026-06-01. Review status: criteria provided, single submitter. Criteria: LabCorp Variant Classification Summary - May 2015. Collection method: clinical testing. Allele origin: germline.
Comment: Variant summary: SPG11 c.2431C>T (p.Gln811X) results in a premature termination codon, predicted to cause a truncation of the encoded protein or absence of the protein due to nonsense mediated decay, which are commonly known mechanisms for disease. The variant allele was found at a frequency of 1.2e-05 in 251238 control chromosomes. c.2431C>T has been observed in the presumed compound heterozygous state in individual(s) affected with SPG11-related conditions (example, Fraidakis_2016). These report(s) do not provide unequivocal conclusions about association of the variant with disease. To our knowledge, no experimental evidence demonstrating an impact on protein function has been reported. The following publication has been ascertained in the context of this evaluation (PMID: 27318863). ClinVar contains an entry for this variant (Variation ID: 987319). Based on the evidence outlined above, the variant was classified as pathogenic.

Labcorp Genetics (formerly Invitae), Labcorp
Classification: Pathogenic for Hereditary spastic paraplegia 11. Last evaluated: 2025-10-18. Review status: criteria provided, single submitter. Criteria: Invitae Variant Classification Sherloc (09022015). Collection method: clinical testing. Allele origin: germline.
Comment: This sequence change creates a premature translational stop signal (p.Gln811*) in the SPG11 gene. It is expected to result in an absent or disrupted protein product. Loss-of-function variants in SPG11 are known to be pathogenic (PMID: 19105190, 20110243, 22154821, 26556829). This variant is present in population databases (rs756134516, gnomAD 0.008%). This premature translational stop signal has been observed in individuals with hereditary spastic paraplegia (PMID: 27318863, 29691679). ClinVar contains an entry for this variant (Variation ID: 987319). Algorithms developed to predict the effect of sequence changes on RNA splicing suggest that this variant may disrupt the consensus splice site. For these reasons, this variant has been classified as Pathogenic.

Laboratory of Genetics, Children's Clinical University Hospital Latvia
Classification: Pathogenic. Last evaluated: 2025-02-16. Review status: criteria provided, single submitter. Criteria: ACMG Guidelines, 2015. Collection method: clinical testing. Allele origin: germline. Affected: yes.

Blueprint Genetics
Classification: Pathogenic for SPG11-related disorders. Last evaluated: 2024-02-13. Review status: criteria provided, single submitter. Criteria: ACMG Guidelines, 2015. Collection method: clinical testing. Allele origin: germline. Affected: yes. Observed: 5 variant alleles.

Fulgent Genetics
Classification: Pathogenic for Amyotrophic lateral sclerosis type 5; Hereditary spastic paraplegia 11; Charcot-Marie-Tooth disease axonal type 2X. Last evaluated: 2024-01-26. Review status: criteria provided, single submitter. Criteria: ACMG Guidelines, 2015. Collection method: clinical testing. Allele origin: germline.

GeneDx
Classification: Pathogenic. Last evaluated: 2021-04-02. Review status: criteria provided, single submitter. Criteria: GeneDx Variant Classification Process June 2021. Collection method: clinical testing. Allele origin: germline. Affected: yes.
Comment: Nonsense variant predicted to result in protein truncation or nonsense mediated decay in a gene for which loss-of-function is a known mechanism of disease; Not observed at a significant frequency in large population cohorts (Lek et al., 2016); This variant is associated with the following publications: (PMID: 29691679, 27318863)

Institute of Medical Genetics and Applied Genomics, University Hospital Tübingen
Classification: Pathogenic. Last evaluated: 2020-10-23. Review status: criteria provided, single submitter. Criteria: ACMG Guidelines, 2015. Collection method: clinical testing. Allele origin: germline. Inheritance: Autosomal recessive inheritance. Affected: yes.

Ambry Genetics
Classification: Pathogenic for Inborn genetic diseases. Last evaluated: 2019-09-16. Review status: criteria provided, single submitter. Criteria: Ambry Variant Classification Scheme 2023. Collection method: clinical testing. Allele origin: germline.
Comment: The p.Q811* variant (also known as c.2431C>T), located in coding exon 13 of the SPG11 gene, results from a C to T substitution at nucleotide position 2431. This changes the amino acid from a glutamine to a stop codon within coding exon 13. This alteration has been reported in the compound heterozygous state in multiple affected patients with autosomal recessive hereditary spastic paraplegia (HSP) (Boutry M et al. Cell Rep, 2018 06;23:3813-3826; Fraidakis MJ et al. Neurodegener Dis, 2016 Jun;16:373-81; Travaglini L et al. Neurogenetics, 2018 05;19:111-121). In addition to the clinical data presented in the literature, this alteration is expected to result in loss of function by premature protein truncation or nonsense-mediated mRNA decay. As such, this alteration is interpreted as a disease-causing mutation.

Genome-Nilou Lab
Classification: Pathogenic for Hereditary spastic paraplegia 11. Review status: criteria provided, single submitter. Criteria: ACMG Guidelines, 2015. Collection method: clinical testing. Allele origin: germline.

Literature cited by the submitters: PubMed 27318863 (cited by 3 submitters); PubMed 19105190 (cited by Labcorp Genetics (formerly Invitae), Labcorp); PubMed 20110243 (cited by Labcorp Genetics (formerly Invitae), Labcorp); PubMed 22154821 (cited by Labcorp Genetics (formerly Invitae), Labcorp); PubMed 26556829 (cited by Labcorp Genetics (formerly Invitae), Labcorp); PubMed 29691679 (cited by Labcorp Genetics (formerly Invitae), Labcorp and Ambry Genetics); PubMed 29949766 (cited by Ambry Genetics).